The following is an entry in ClinVar:

ClinVar aggregate classification (germline): Benign/Likely benign. Review status: criteria provided, multiple submitters, no conflicts (2 of 4 stars). 8 submissions from 8 submitters: Benign (4); Likely benign (4). Last evaluated 2026-08-01.

Conditions:
Congenital muscular dystrophy due to integrin alpha-7 deficiency. Also called: MYOPATHY, CONGENITAL, DUE TO INTEGRIN ALPHA-7 DEFICIENCY; Congenital muscular dystrophy with integrin alpha-7 deficiency; Muscular dystrophy, congenital, due to ITGA7 deficiency. Identifiers: Orphanet 34520, MedGen C2750786, MONDO:0013177, OMIM 613204.

Allele frequency attached by ClinVar (database versions not stated): 1000 Genomes Project 30x 0.00203; 1000 Genomes Project 0.00240; gnomAD exomes 0.00434 and 0.00703; TOPMed 0.00454; ExAC 0.00466; gnomAD 0.00483 and 0.00509; ESP Exome Variant Server 0.00485.
gnomAD v4.1: 10,904 of 1,602,208 alleles (0.68%); highest among the groups gnomAD compares: Non-Finnish European, 0.82%; 53 homozygotes.

Submissions (8):

CeGaT Center for Human Genetics Tuebingen
Classification: Likely benign. Last evaluated: 2026-08-01. Review status: criteria provided, single submitter. Criteria: CeGaT Center For Human Genetics Tuebingen Variant Classification Criteria Version 2. Collection method: clinical testing. Allele origin: germline. Affected: yes. Observed: 23 variant alleles.
Comment: ITGA7: BP4, BP7, BS2

Labcorp Genetics (formerly Invitae), Labcorp
Classification: Benign for Congenital muscular dystrophy due to integrin alpha-7 deficiency. Last evaluated: 2026-01-26. Review status: criteria provided, single submitter. Criteria: Invitae Variant Classification Sherloc (09022015). Collection method: clinical testing. Allele origin: germline.

Mayo Clinic Laboratories, Mayo Clinic
Classification: Benign. Last evaluated: 2023-04-21. Review status: criteria provided, single submitter. Criteria: ACMG Guidelines, 2015. Collection method: clinical testing. Allele origin: germline. Observed: 7 variant alleles.
Comment: BS1, BS2

GeneDx
Classification: Likely benign. Last evaluated: 2020-12-14. Review status: criteria provided, single submitter. Criteria: GeneDx Variant Classification Process June 2021. Collection method: clinical testing. Allele origin: germline. Affected: yes.

Eurofins Ntd Llc (ga)
Classification: Benign. Last evaluated: 2013-12-17. Review status: criteria provided, single submitter. Criteria: EGL Classification Definitions 2015. Collection method: clinical testing. Allele origin: germline. Observed: 3 variant alleles, 3 heterozygotes.

Genetic Services Laboratory, University of Chicago
Classification: Likely benign for AllHighlyPenetrant. Last evaluated: 2013-08-20. Review status: criteria provided, single submitter. Criteria: ACMG Guidelines, 2007. Collection method: clinical testing. Allele origin: germline. Inheritance: Autosomal recessive inheritance.

Breakthrough Genomics
Classification: Likely benign. Review status: criteria provided, single submitter. Criteria: ACMG Guidelines, 2015. Collection method: not provided. Allele origin: germline. Inheritance: Autosomal recessive inheritance. Affected: yes.

PreventionGenetics, part of Exact Sciences
Classification: Benign. Review status: criteria provided, single submitter. Criteria: ACMG Guidelines, 2015. Collection method: clinical testing. Allele origin: germline.

NM_002206.3(ITGA7):c.3384C>T (p.Pro1128=)

Gene: ITGA7 (integrin subunit alpha 7; minus strand). Cytogenetic location: 12q13.2.
Variant type: single nucleotide variant.
Coding change: c.3384C>T on transcript NM_002206.3 (MANE Select); coding-DNA position 3384, C replaced by T.
Protein change: p.Pro1128=; no amino-acid change (proline 1128 retained).
Molecular consequence: synonymous variant.
Genome position (GRCh38, 1-based): chr12:55,685,088, G>A on the plus strand (C>T on the coding strand, the complement: ITGA7 is on the minus strand). VCF-style: chr12-55685088-G-A. GRCh37 (hg19) VCF-style: chr12-56078872-G-A.
Other names: p.Pro1128=; c.3396C>T, p.Pro1132= (NM_001144996.2); c.3105C>T, p.Pro1035= (NM_001144997.2); c.3057C>T, p.Pro1019= (NM_001367993.1); c.2040C>T, p.Pro680= (NM_001367994.1); c.3366C>T, p.Pro1122= (NM_001374465.1); c.3516C>T, p.Pro1172= (NM_001410977.1); c.3378C>T, p.Pro1126= (NM_001414029.1); and 6 more.
Identifiers: ClinVar variation 129297 (VCV000129297.47), dbSNP rs148170949, ClinGen allele CA153208.